The following is an entry in ClinVar:

NM_006734.4(HIVEP2):c.6911T>A (p.Leu2304Gln)

Gene: HIVEP2 (HIVEP zinc finger 2; minus strand). Cytogenetic location: 6q24.2.
Variant type: single nucleotide variant.
Coding change: c.6911T>A on transcript NM_006734.4 (MANE Select); coding-DNA position 6911, T replaced by A.
Protein change: p.Leu2304Gln; replaces leucine 2304 with glutamine.
Molecular consequence: missense variant.
Genome position (GRCh38, 1-based): chr6:142,753,537, A>T on the plus strand (T>A on the coding strand, the complement: HIVEP2 is on the minus strand). VCF-style: chr6-142753537-A-T. GRCh37 (hg19) VCF-style: chr6-143074674-A-T.
Other names: short protein forms L2304Q.
Identifiers: ClinVar variation 1304870 (VCV001304870.2), dbSNP rs2114583798, ClinGen allele CA365941472.

ClinVar aggregate classification (germline): Uncertain significance (1 of 4 stars; one submission).

Submission:

GeneDx
Classification: Uncertain significance. Last evaluated: 2019-09-17. Review status: criteria provided, single submitter. Criteria: GeneDx Variant Classification Process June 2021. Collection method: clinical testing. Allele origin: germline. Affected: yes.
Comment: Not observed in large population cohorts (Lek et al., 2016); In silico analysis, which includes protein predictors and evolutionary conservation, supports that this variant does not alter protein structure/function; Has not been previously published as pathogenic or benign to our knowledge; In silico analysis, which includes splice predictors and evolutionary conservation, suggests this variant may impact gene splicing. In the absence of RNA/functional studies, the actual effect of this sequence change is unknown.